The following is an entry in ClinVar:

NM_007294.4(BRCA1):c.4645dup (p.Glu1549fs)

Gene: BRCA1 (BRCA1 DNA repair associated; minus strand). Cytogenetic location: 17q21.31.
Variant type: Duplication.
Coding change: c.4645dup on transcript NM_007294.4 (MANE Select); coding-DNA position 4645, one base duplicated (G; older notation c.4645dupG).
Protein change: p.Glu1549fs; shifts the reading frame from glutamic acid 1549.
Molecular consequence: frameshift variant. On other transcripts: intron variant (3).
Genome position (GRCh38, 1-based): chr17:43,074,361, C duplicated on the plus strand (G on the coding strand, the reverse complement: BRCA1 is on the minus strand); the first of 2 consecutive C bases (chr17:43,074,361-43,074,362); duplicating either gives the same sequence. VCF-style (leftmost placement, unchanged base first): chr17-43074360-T-TC. GRCh37 (hg19) VCF-style: chr17-41226377-T-TC.
Other names: c.1210dup, p.Glu404fs (NM_001408442.1, NM_001408443.1, NM_001408444.1 and 10 more transcripts); c.4261dup, p.Glu1421fs (NM_001407962.1, NM_001407960.1); c.4630dup, p.Glu1544fs (NM_001407647.1); c.4588dup, p.Glu1530fs (NM_001407648.1); c.4258dup, p.Glu1420fs (NM_001407963.1); c.3757dup, p.Glu1253fs (NM_001407966.1); c.2041dup, p.Glu681fs (NM_001407968.1); c.2038dup, p.Glu680fs (NM_001407969.1); and 72 more; short protein forms E1252fs, E1380fs, E1421fs, E1461fs, E1478fs, E1479fs, E1482fs, E1502fs.
Identifiers: ClinVar variation 3992586 (VCV003992586.1).

ClinVar aggregate classification (germline): Pathogenic (1 of 4 stars; one submission).

Conditions:
Hereditary cancer-predisposing syndrome. Also called: Tumor predisposition; Hereditary neoplastic syndrome; Neoplastic Syndromes, Hereditary; Hereditary Cancer Syndrome. Identifiers: Orphanet 140162, MedGen C0027672, MeSH D009386, MONDO:0015356.

Submission:

Ambry Genetics
Classification: Pathogenic for Hereditary cancer-predisposing syndrome. Last evaluated: 2025-03-25. Review status: criteria provided, single submitter. Criteria: Ambry Variant Classification Scheme 2023. Collection method: clinical testing. Allele origin: germline.
Comment: The c.4645dupG pathogenic mutation, located in coding exon 13 of the BRCA1 gene, results from a duplication of G at nucleotide position 4645, causing a translational frameshift with a predicted alternate stop codon (p.E1549Gfs*25). This variant is considered to be rare based on population cohorts in the Genome Aggregation Database (gnomAD). This alteration is expected to result in loss of function by premature protein truncation or nonsense-mediated mRNA decay. As such, this alteration is interpreted as a disease-causing mutation.